The following is an entry in ClinVar:

ClinVar aggregate classification (germline): Uncertain significance (1 of 4 stars; one submission).

Conditions:
Hereditary cancer-predisposing syndrome. Also called: Neoplastic Syndromes, Hereditary; Hereditary neoplastic syndrome; Tumor predisposition; Hereditary Cancer Syndrome. Identifiers: Orphanet 140162, MedGen C0027672, MeSH D009386, MONDO:0015356.

Submission:

Ambry Genetics
Classification: Uncertain significance for Hereditary cancer-predisposing syndrome. Last evaluated: 2022-11-19. Review status: criteria provided, single submitter. Criteria: Ambry Variant Classification Scheme 2023. Collection method: clinical testing. Allele origin: germline.
Comment: The p.N823D variant (also known as c.2467A>G), located in coding exon 17 of the PDGFRA gene, results from an A to G substitution at nucleotide position 2467. The asparagine at codon 823 is replaced by aspartic acid, an amino acid with highly similar properties. This amino acid position is conserved. In addition, this alteration is predicted to be deleterious by in silico analysis. Since supporting evidence is limited at this time, the clinical significance of this alteration remains unclear.

NM_006206.6(PDGFRA):c.2467A>G (p.Asn823Asp)

Gene: PDGFRA (platelet derived growth factor receptor alpha; plus strand). Cytogenetic location: 4q12.
Variant type: single nucleotide variant.
Coding change: c.2467A>G on transcript NM_006206.6 (MANE Select); coding-DNA position 2467, A replaced by G.
Protein change: p.Asn823Asp; replaces asparagine 823 with aspartic acid.
Molecular consequence: missense variant.
Genome position (GRCh38, 1-based): chr4:54,285,868, A>G. VCF-style: chr4-54285868-A-G. GRCh37 (hg19) VCF-style: chr4-55152035-A-G.
Other names: c.2542A>G, p.Asn848Asp (NM_001347828.2); c.2467A>G, p.Asn823Asp (NM_001347829.2); c.2506A>G, p.Asn836Asp (NM_001347830.2); short protein forms N823D, N836D, N848D.
Identifiers: ClinVar variation 2453851 (VCV002453851.2), dbSNP rs2110337644, ClinGen allele CA356894906.
Genomic context (GRCh38, chr4:54,285,868, plus strand): 5'-TGATCCTGAGTCATTTCTTCCTTTTCCATGCAGTGTGTCCACCGTGATCTGGCTGCTCGC[A>G]ACGTCCTCCTGGCACAAGGAAAAATTGTGAAGATCTGTGACTTTGGCCTGGCCAGAGACA-3'
Protein context (NP_006197.1, residues 813-833): NCVHRDLAAR[Asn823Asp]VLLAQGKIVK